The following is an entry in ClinVar:

ClinVar aggregate classification (germline): Uncertain significance. Review status: criteria provided, multiple submitters, no conflicts (2 of 4 stars). 2 submissions from 2 submitters: Uncertain significance (2). Last evaluated 2024-03-04.

Conditions:
Primary ciliary dyskinesia 23 (CILD23). Also called: CILIARY DYSKINESIA, PRIMARY, 23, WITH OR WITHOUT SITUS INVERSUS. Identifiers: Orphanet 244, MedGen C3809548, MONDO:0014193, OMIM 615451.
Primary ciliary dyskinesia. Also called: Ciliary dyskinesia. Identifiers: Orphanet 244, MedGen C0008780, MONDO:0016575, HP:0012265.

Allele frequency attached by ClinVar (database versions not stated): gnomAD 0.00001 and 0.00002; gnomAD exomes 0.00001 and 0.00002; ExAC 0.00002; TOPMed 0.00002.
gnomAD v4.1: 16 of 1,613,676 alleles (0.00099%); highest among the groups gnomAD compares: Middle Eastern, 0.049%; no homozygotes.

Submissions (2):

Ambry Genetics
Classification: Uncertain significance for Primary ciliary dyskinesia. Last evaluated: 2024-03-04. Review status: criteria provided, single submitter. Criteria: Ambry Variant Classification Scheme 2023. Collection method: clinical testing. Allele origin: germline.

Labcorp Genetics (formerly Invitae), Labcorp
Classification: Uncertain significance for Primary ciliary dyskinesia 23. Last evaluated: 2024-02-14. Review status: criteria provided, single submitter. Criteria: Invitae Variant Classification Sherloc (09022015). Collection method: clinical testing. Allele origin: germline.
Comment: This sequence change replaces isoleucine, which is neutral and non-polar, with methionine, which is neutral and non-polar, at codon 517 of the ARMC4 protein (p.Ile517Met). This variant is present in population databases (rs767636563, gnomAD 0.004%). This variant has not been reported in the literature in individuals affected with ARMC4-related conditions. ClinVar contains an entry for this variant (Variation ID: 474575). An algorithm developed to predict the effect of missense changes on protein structure and function (PolyPhen-2) suggests that this variant is likely to be disruptive. In summary, the available evidence is currently insufficient to determine the role of this variant in disease. Therefore, it has been classified as a Variant of Uncertain Significance.

NM_018076.5(ODAD2):c.1551A>G (p.Ile517Met)

Gene: ODAD2 (outer dynein arm docking complex subunit 2; minus strand). Cytogenetic location: 10p12.1.
Variant type: single nucleotide variant.
Coding change: c.1551A>G on transcript NM_018076.5 (MANE Select); coding-DNA position 1551, A replaced by G.
Protein change: p.Ile517Met; replaces isoleucine 517 with methionine.
Molecular consequence: missense variant.
Genome position (GRCh38, 1-based): chr10:27,944,414, T>C on the plus strand (A>G on the coding strand, the complement: ODAD2 is on the minus strand). VCF-style: chr10-27944414-T-C. GRCh37 (hg19) VCF-style: chr10-28233343-T-C.
Other names: c.1551A>G, p.Ile517Met (NM_001290020.2); c.126A>G, p.Ile42Met (NM_001290021.2); c.627A>G, p.Ile209Met (NM_001312689.2); short protein forms I517M, I209M, I42M.
Identifiers: ClinVar variation 474575 (VCV000474575.9), dbSNP rs767636563, ClinGen allele CA5453486.